The following is an entry in ClinVar:

ClinVar aggregate classification (germline): Pathogenic. Review status: criteria provided, multiple submitters, no conflicts (2 of 4 stars). 5 submissions from 5 submitters: Pathogenic (5). Last evaluated 2026-03-06.

Conditions:
MYO15A-related disorder. Also called: MYO15A-related condition.
Autosomal recessive nonsyndromic hearing loss 3. Also called: NEUROSENSORY NONSYNDROMIC RECESSIVE DEAFNESS 3. Identifiers: Orphanet 90636, MedGen C1838263, MONDO:0010860, OMIM 600316.

Allele frequency attached by ClinVar (database versions not stated): gnomAD 0.00001 and 0.00002; TOPMed 0.00001; gnomAD exomes 0.00002; ESP Exome Variant Server 0.00008.
gnomAD v4.1: 25 of 1,613,496 alleles (0.0015%); highest among the groups gnomAD compares: South Asian, 0.0044%; no homozygotes.

Submissions (5):

GeneDx
Classification: Pathogenic. Last evaluated: 2026-03-06. Review status: criteria provided, single submitter. Criteria: GeneDx Variant Classification Process June 2021. Collection method: clinical testing. Allele origin: germline. Affected: yes.
Comment: Canonical splice site variant predicted to result in a null allele in a gene for which loss of function is a known mechanism of disease; This variant is associated with the following publications: (PMID: 26242193, 26186295, 25525159, 24949729, 27573290, 27375115, 30953472, 34426522, 32747562, 35346193, 17546645)

CeGaT Center for Human Genetics Tuebingen
Classification: Pathogenic. Last evaluated: 2026-02-01. Review status: criteria provided, single submitter. Criteria: CeGaT Center For Human Genetics Tuebingen Variant Classification Criteria Version 2. Collection method: clinical testing. Allele origin: germline. Affected: yes. Observed: 1 variant allele.
Comment: MYO15A: PVS1, PM2

Blueprint Genetics
Classification: Pathogenic for MYO15A-related disorders. Last evaluated: 2021-07-28. Review status: criteria provided, single submitter. Criteria: ACMG Guidelines, 2015. Collection method: clinical testing. Allele origin: germline. Affected: yes. Observed: 1 variant allele.

Eurofins Ntd Llc (ga)
Classification: Pathogenic. Last evaluated: 2015-08-27. Review status: criteria provided, single submitter. Criteria: EGL Classification Definitions 2015. Collection method: clinical testing. Allele origin: germline. Observed: 1 variant allele, 1 heterozygote.

Molecular Diagnosis Center for Deafness
Classification: Pathogenic for Autosomal recessive nonsyndromic hearing loss 3. Review status: criteria provided, single submitter. Criteria: ClinGen HL ACMG Specifications v1. Collection method: clinical testing. Allele origin: de novo. Observed: 2 variant alleles.

NM_016239.4(MYO15A):c.3866+1G>A

Gene: MYO15A (myosin XVA; plus strand). Cytogenetic location: 17p11.2.
Variant type: single nucleotide variant.
Coding change: c.3866+1G>A on transcript NM_016239.4 (MANE Select); the canonical splice donor site of the intron after coding-DNA position 3866, G replaced by A.
Molecular consequence: splice donor variant.
Genome position (GRCh38, 1-based): chr17:18,126,457, G>A. VCF-style: chr17-18126457-G-A. GRCh37 (hg19) VCF-style: chr17-18029771-G-A.
Identifiers: ClinVar variation 282299 (VCV000282299.32), dbSNP rs374742590, ClinGen allele CA10604141.